The following is an entry in ClinVar:

NM_001569.4(IRAK1):c.-5del

Gene: IRAK1 (interleukin 1 receptor associated kinase 1; minus strand). Cytogenetic location: Xq28.
Variant type: Deletion.
Coding change: c.-5del on transcript NM_001569.4 (MANE Select); 5 bases upstream of the start codon, one base deleted (C; older notation c.-5delC).
Molecular consequence: 5 prime UTR variant.
Genome position (GRCh38, 1-based): chrX:154,019,817, G deleted on the plus strand (C on the coding strand, the reverse complement: IRAK1 is on the minus strand). VCF-style (leftmost placement, unchanged base first): chrX-154019816-TG-T. GRCh37 (hg19) VCF-style: chrX-153285267-TG-T.
Other names: c.-5del (NM_001025242.2, NM_001025243.2, NM_001410701.1).
Identifiers: ClinVar variation 4987489 (VCV004987489.1).

ClinVar aggregate classification (germline): Likely benign (1 of 4 stars; one submission).

Conditions:
IRAK1-related disorder. Also called: IRAK1-related condition.

Submission:

PreventionGenetics, part of Exact Sciences
Classification: Likely benign for IRAK1-related condition. Last evaluated: 2025-12-13. Review status: criteria provided, single submitter. Criteria: ACMG Guidelines, 2015. Collection method: clinical testing. Allele origin: germline.
Comment: This variant is classified as likely benign based on ACMG/AMP sequence variant interpretation guidelines (Richards et al. 2015 PMID: 25741868, with internal and published modifications).